The following is an entry in ClinVar:

NM_033028.5(BBS4):c.1248+4T>C

Gene: BBS4 (Bardet-Biedl syndrome 4; plus strand). Cytogenetic location: 15q24.1.
Variant type: single nucleotide variant.
Coding change: c.1248+4T>C on transcript NM_033028.5 (MANE Select); 4 bases into the intron after coding-DNA position 1248, T replaced by C.
Molecular consequence: intron variant.
Genome position (GRCh38, 1-based): chr15:72,735,970, T>C. VCF-style: chr15-72735970-T-C. GRCh37 (hg19) VCF-style: chr15-73028311-T-C.
Other names: c.1179+4T>C (NM_001320665.2); c.732+4T>C (NM_001252678.2).
Identifiers: ClinVar variation 969528 (VCV000969528.6), dbSNP rs2065914727, ClinGen allele CA1139664075.

ClinVar aggregate classification (germline): Uncertain significance (1 of 4 stars; one submission).

Conditions:
Bardet-Biedl syndrome (BBS). Identifiers: Orphanet 110, MedGen C0752166, MONDO:0015229.

gnomAD v4.1: 3 of 1,614,124 alleles (0.00019%); highest among the groups gnomAD compares: Admixed American, 0.0017%; no homozygotes.

Submission:

Labcorp Genetics (formerly Invitae), Labcorp
Classification: Uncertain significance for Bardet-Biedl syndrome. Last evaluated: 2021-08-24. Review status: criteria provided, single submitter. Criteria: Invitae Variant Classification Sherloc (09022015). Collection method: clinical testing. Allele origin: germline.
Comment: This sequence change falls in intron 14 of the BBS4 gene. It does not directly change the encoded amino acid sequence of the BBS4 protein. It affects a nucleotide within the consensus splice site of the intron. This variant is not present in population databases (ExAC no frequency). This variant has not been reported in the literature in individuals affected with BBS4-related conditions. Variants that disrupt the consensus splice site are a relatively common cause of aberrant splicing (PMID: 17576681, 9536098). Algorithms developed to predict the effect of sequence changes on RNA splicing suggest that this variant is not likely to affect RNA splicing. In summary, the available evidence is currently insufficient to determine the role of this variant in disease. Therefore, it has been classified as a Variant of Uncertain Significance.

Literature cited by the submitters: PubMed 17576681; PubMed 9536098.